The following is an entry in ClinVar:

NM_000051.4(ATM):c.1918A>G (p.Lys640Glu)

Gene: ATM (ATM serine/threonine kinase; plus strand). Cytogenetic location: 11q22.3.
Variant type: single nucleotide variant.
Coding change: c.1918A>G on transcript NM_000051.4 (MANE Select); coding-DNA position 1918, A replaced by G.
Protein change: p.Lys640Glu; replaces lysine 640 with glutamic acid.
Molecular consequence: missense variant.
Genome position (GRCh38, 1-based): chr11:108,253,833, A>G. VCF-style: chr11-108253833-A-G. GRCh37 (hg19) VCF-style: chr11-108124560-A-G.
Other names: c.1918A>G, p.Lys640Glu (NM_001351834.2); short protein forms K640E.
Identifiers: ClinVar variation 573111 (VCV000573111.12), dbSNP rs879254190, ClinGen allele CA382536420.

ClinVar aggregate classification (germline): Uncertain significance. Review status: criteria provided, multiple submitters, no conflicts (2 of 4 stars). 3 submissions from 3 submitters: Uncertain significance (2). 1 of the submissions does not count toward it. Last evaluated 2025-03-12.

Conditions:
Ataxia-telangiectasia syndrome (AT). Also called: AT, COMPLEMENTATION GROUP C; Cerebello-oculocutaneous telangiectasia; Immunodeficiency with ataxia telangiectasia; Ataxia-telangiectasia, complementation group D; ATAXIA-TELANGIECTASIA, FRESNO VARIANT; Ataxia-telangiectasia, complementation group E. Identifiers: Orphanet 100, MedGen C0004135, MONDO:0008840, OMIM 208900.
Hereditary cancer-predisposing syndrome. Also called: Hereditary neoplastic syndrome; Neoplastic Syndromes, Hereditary; Hereditary Cancer Syndrome; Tumor predisposition. Identifiers: Orphanet 140162, MedGen C0027672, MeSH D009386, MONDO:0015356.

gnomAD v4.1: 1 of 1,613,716 alleles (0.000062%); highest among the groups gnomAD compares: South Asian, 0.0011%; no homozygotes.

Submissions (3):

Labcorp Genetics (formerly Invitae), Labcorp
Classification: Uncertain significance for Ataxia-telangiectasia syndrome. Last evaluated: 2025-03-12. Review status: criteria provided, single submitter. Criteria: Invitae Variant Classification Sherloc (09022015). Collection method: clinical testing. Allele origin: germline.
Comment: This sequence change replaces lysine, which is basic and polar, with glutamic acid, which is acidic and polar, at codon 640 of the ATM protein (p.Lys640Glu). This variant is not present in population databases (gnomAD no frequency). This variant has not been reported in the literature in individuals affected with ATM-related conditions. ClinVar contains an entry for this variant (Variation ID: 573111). Invitae Evidence Modeling of protein sequence and biophysical properties (such as structural, functional, and spatial information, amino acid conservation, physicochemical variation, residue mobility, and thermodynamic stability) indicates that this missense variant is not expected to disrupt ATM protein function with a negative predictive value of 95%. In summary, the available evidence is currently insufficient to determine the role of this variant in disease. Therefore, it has been classified as a Variant of Uncertain Significance.

Ambry Genetics
Classification: Uncertain significance for Hereditary cancer-predisposing syndrome. Last evaluated: 2020-11-10. Review status: criteria provided, single submitter. Criteria: Ambry Variant Classification Scheme 2023. Collection method: clinical testing. Allele origin: germline.
Comment: The p.K640E variant (also known as c.1918A>G), located in coding exon 12 of the ATM gene, results from an A to G substitution at nucleotide position 1918. The lysine at codon 640 is replaced by glutamic acid, an amino acid with similar properties. This amino acid position is poorly conserved in available vertebrate species. In addition, this alteration is predicted to be tolerated by in silico analysis. Since supporting evidence is limited at this time, the clinical significance of this alteration remains unclear.

Natera, Inc.
Classification: Uncertain significance for Ataxia-telangiectasia. Last evaluated: 2020-03-11. Review status: no assertion criteria provided. Collection method: clinical testing. Allele origin: germline. Not counted in ClinVar's aggregate classification.